The following is an entry in ClinVar:

ClinVar aggregate classification (germline): Benign. Review status: criteria provided, multiple submitters, no conflicts (2 of 4 stars). 4 submissions from 4 submitters: Benign (4). Last evaluated 2026-02-04.

Conditions:
Combined immunodeficiency due to ORAI1 deficiency. Also called: IMMUNODEFICIENCY 9. Identifiers: Orphanet 169090, Orphanet 317428, MedGen C2748568, MONDO:0013007, OMIM 612782.
Myopathy, tubular aggregate, 2 (TAM2). Identifiers: MedGen C4014557, MONDO:0014383, OMIM 615883.

Allele frequency attached by ClinVar (database versions not stated): gnomAD exomes 0.43952 and 0.46895; ExAC 0.47325; gnomAD 0.50869 and 0.50916; ESP Exome Variant Server 0.51287; TOPMed 0.51726; 1000 Genomes Project 0.55571; 1000 Genomes Project 30x 0.55637.

Submissions (4):

Labcorp Genetics (formerly Invitae), Labcorp
Classification: Benign for Myopathy, tubular aggregate, 2; Combined immunodeficiency due to ORAI1 deficiency. Last evaluated: 2026-02-04. Review status: criteria provided, single submitter. Criteria: Invitae Variant Classification Sherloc (09022015). Collection method: clinical testing. Allele origin: germline.

Unidad de Genómica Garrahan, Hospital de Pediatría Garrahan
Classification: Benign. Last evaluated: 2024-01-24. Review status: criteria provided, single submitter. Criteria: ACMG Guidelines, 2015. Collection method: clinical testing. Allele origin: germline. Affected: no. Observed: 72 variant alleles.
Comment: This variant is classified as Benign based on local population frequency. This variant was detected in 76% of patients studied by a panel of primary immunodeficiencies. Number of patients: 72. Only high quality variants are reported.

GeneDx
Classification: Benign. Last evaluated: 2015-10-19. Review status: criteria provided, single submitter. Criteria: GeneDx Variant Classification (06012015). Collection method: clinical testing. Allele origin: germline. Affected: yes.
Comment: This variant is considered likely benign or benign based on one or more of the following criteria: it is a conservative change, it occurs at a poorly conserved position in the protein, it is predicted to be benign by multiple in silico algorithms, and/or has population frequency not consistent with disease.

Breakthrough Genomics
Classification: Benign. Review status: criteria provided, single submitter. Criteria: ACMG Guidelines, 2015. Collection method: not provided. Allele origin: germline. Inheritance: Autosomal recessive inheritance. Affected: yes.

NM_032790.4(ORAI1):c.798T>C (p.Thr266=)

Gene: ORAI1 (ORAI calcium release-activated calcium modulator 1; plus strand). Cytogenetic location: 12q24.31.
Variant type: single nucleotide variant.
Coding change: c.798T>C on transcript NM_032790.4 (MANE Select); coding-DNA position 798, T replaced by C.
Protein change: p.Thr266=; no amino-acid change (threonine 266 retained).
Genome position (GRCh38, 1-based): chr12:121,641,535, T>C. VCF-style: chr12-121641535-T-C. GRCh37 (hg19) VCF-style: chr12-122079441-T-C.
Identifiers: ClinVar variation 379394 (VCV000379394.14), dbSNP rs3825175, ClinGen allele CA6837572.
Genomic context (GRCh38, chr12:121,641,535, plus strand): 5'-CGGCCTGATCTTTATCGTCTTCGCCGTCCACTTCTACCGCTCACTGGTTAGCCATAAGAC[T>C]GACCGACAGTTCCAGGAGCTCAACGAGCTGGCGGAGTTTGCCCGCTTACAGGACCAGCTG-3'
Protein context (NP_116179.2, residues 256-276): HFYRSLVSHK[Thr266=]DRQFQELNEL